The following is an entry in ClinVar:

ClinVar aggregate classification (germline): Benign/Likely benign. Review status: criteria provided, multiple submitters, no conflicts (2 of 4 stars). 3 submissions from 3 submitters: Benign (1); Likely benign (2). Last evaluated 2026-01-27.

Allele frequency attached by ClinVar (database versions not stated): gnomAD exomes 0.00023; 1000 Genomes Project 30x 0.00125; ExAC 0.00135; 1000 Genomes Project 0.00140; gnomAD 0.00269; TOPMed 0.00291; ESP Exome Variant Server 0.00299.
gnomAD v4.1: 756 of 1,551,012 alleles (0.049%); highest among the groups gnomAD compares: African/African-American, 0.82%; 4 homozygotes.

Submissions (3):

Labcorp Genetics (formerly Invitae), Labcorp
Classification: Benign. Last evaluated: 2026-01-27. Review status: criteria provided, single submitter. Criteria: Invitae Variant Classification Sherloc (09022015). Collection method: clinical testing. Allele origin: germline.

CeGaT Center for Human Genetics Tuebingen
Classification: Likely benign. Last evaluated: 2025-07-01. Review status: criteria provided, single submitter. Criteria: CeGaT Center For Human Genetics Tuebingen Variant Classification Criteria Version 2. Collection method: clinical testing. Allele origin: germline. Affected: yes. Observed: 1 variant allele.
Comment: WDR4: BP4, BP7

Blueprint Genetics
Classification: Likely benign. Last evaluated: 2024-09-04. Review status: criteria provided, single submitter. Criteria: ACMG Guidelines, 2015. Collection method: clinical testing. Allele origin: germline.

NM_018669.6(WDR4):c.633C>T (p.Gly211=)

Gene: WDR4 (WDR4 tRNA N7-guanosine methyltransferase non-catalytic subunit; minus strand). Cytogenetic location: 21q22.3.
Variant type: single nucleotide variant.
Coding change: c.633C>T on transcript NM_018669.6 (MANE Select); coding-DNA position 633, C replaced by T.
Protein change: p.Gly211=; no amino-acid change (glycine 211 retained).
Molecular consequence: synonymous variant. On other transcripts: non-coding transcript variant (1).
Genome position (GRCh38, 1-based): chr21:42,855,775, G>A on the plus strand (C>T on the coding strand, the complement: WDR4 is on the minus strand). VCF-style: chr21-42855775-G-A. GRCh37 (hg19) VCF-style: chr21-44275885-G-A.
Other names: c.633C>T, p.Gly211= (NM_001260474.2, NM_033661.5); c.195C>T, p.Gly65= (NM_001260475.2, NM_001260476.2, NM_001260477.2 and 1 more transcripts).
Identifiers: ClinVar variation 2039037 (VCV002039037.13), dbSNP rs112027714, ClinGen allele CA10046001.
Genomic context (GRCh38, chr21:42,855,775, plus strand): 5'-ACTGGCCAGGTGACAGCAGTGCAGCTGGCGGCCGCTCCTGTACTCCCAGAGCCTCAGGGT[G>A]CCGTCCTGCACAAACCAAACACACAGGTTAGCACATGGTTGTGGGGCTTCCGTCAGGTAG-3'
Protein context (NP_061139.2, residues 201-221): PGLLLSSSGD[Gly211=]TLRLWEYRSG